The following is an entry in ClinVar:

ClinVar aggregate classification (germline): Uncertain significance (1 of 4 stars; one submission).

Submission:

Labcorp Genetics (formerly Invitae), Labcorp
Classification: Uncertain significance. Last evaluated: 2022-03-18. Review status: criteria provided, single submitter. Criteria: Invitae Variant Classification Sherloc (09022015). Collection method: clinical testing. Allele origin: germline.
Comment: In summary, the available evidence is currently insufficient to determine the role of this variant in disease. Therefore, it has been classified as a Variant of Uncertain Significance. This variant has not been reported in the literature in individuals affected with POLR3B-related conditions. This variant is not present in population databases (gnomAD no frequency). This variant, c.290_292dup, results in the insertion of 1 amino acid(s) of the POLR3B protein (p.Val97_Ser98insLeu), but otherwise preserves the integrity of the reading frame.

NM_018082.6(POLR3B):c.290_292dup (p.Val97_Ser98insLeu)

Gene: POLR3B (RNA polymerase III subunit B; plus strand). Cytogenetic location: 12q23.3.
Variant type: Duplication.
Coding change: c.290_292dup on transcript NM_018082.6 (MANE Select); coding-DNA positions 290 to 292, 3 bases duplicated (TGT; older notation c.290_292dupTGT).
Protein change: p.Val97_Ser98insLeu.
Molecular consequence: inframe insertion.
Genome position (GRCh38, 1-based): chr12:106,369,337-106,369,339, TGT duplicated. VCF-style (leftmost placement, unchanged base first): chr12-106369336-G-GTGT. GRCh37 (hg19) VCF-style: chr12-106763114-G-GTGT.
Other names: c.116_118dup, p.Val39_Ser40insLeu (NM_001160708.2).
Identifiers: ClinVar variation 2113517 (VCV002113517.4), dbSNP rs2136886653, ClinGen allele CA2580085736.